The following is an entry in ClinVar:

NM_001297.5(CNGB1):c.2166+5G>A

Gene: CNGB1 (cyclic nucleotide gated channel subunit beta 1; minus strand). Cytogenetic location: 16q21.
Variant type: single nucleotide variant.
Coding change: c.2166+5G>A on transcript NM_001297.5 (MANE Select); 5 bases into the intron after coding-DNA position 2166, G replaced by A.
Molecular consequence: intron variant.
Genome position (GRCh38, 1-based): chr16:57,917,263, C>T on the plus strand (G>A on the coding strand, the complement: CNGB1 is on the minus strand). VCF-style: chr16-57917263-C-T. GRCh37 (hg19) VCF-style: chr16-57951167-C-T.
Other names: c.2148+5G>A (NM_001286130.2).
Identifiers: ClinVar variation 2864624 (VCV002864624.3), dbSNP rs1394488061, ClinGen allele CA2633522108.

ClinVar aggregate classification (germline): Uncertain significance (1 of 4 stars; one submission).

gnomAD v4.1: 4 of 1,611,184 alleles (0.00025%); highest among the groups gnomAD compares: Non-Finnish European, 0.00034%; no homozygotes.

Submission:

Labcorp Genetics (formerly Invitae), Labcorp
Classification: Uncertain significance. Last evaluated: 2023-07-07. Review status: criteria provided, single submitter. Criteria: Invitae Variant Classification Sherloc (09022015). Collection method: clinical testing. Allele origin: germline.
Comment: This sequence change falls in intron 21 of the CNGB1 gene. It does not directly change the encoded amino acid sequence of the CNGB1 protein. It affects a nucleotide within the consensus splice site. This variant is not present in population databases (gnomAD no frequency). This variant has not been reported in the literature in individuals affected with CNGB1-related conditions. Variants that disrupt the consensus splice site are a relatively common cause of aberrant splicing (PMID: 17576681, 9536098). Algorithms developed to predict the effect of sequence changes on RNA splicing suggest that this variant may disrupt the consensus splice site. In summary, the available evidence is currently insufficient to determine the role of this variant in disease. Therefore, it has been classified as a Variant of Uncertain Significance.

Literature cited by the submitters: PubMed 17576681; PubMed 9536098.